The following is an entry in ClinVar:

ClinVar aggregate classification (germline): Uncertain significance (1 of 4 stars; one submission).

Submission:

Women's Health and Genetics/Laboratory Corporation of America, LabCorp
Classification: Uncertain significance. Last evaluated: 2025-10-03. Review status: criteria provided, single submitter. Criteria: LabCorp Variant Classification Summary - May 2015. Collection method: clinical testing. Allele origin: germline.
Comment: Variant summary: ZSWIM6 c.389G>A (p.Gly130Asp) results in a non-conservative amino acid change in the encoded protein sequence. Algorithms developed to predict the effect of missense changes on protein structure and function are either unavailable or do not agree on the potential impact of this missense change. The frequency data for this variant in gnomAD is considered unreliable, as metrics indicate poor data quality at this position. To our knowledge, no occurrence of c.389G>A in individuals affected with ZSWIM6-related conditions and no experimental evidence demonstrating its impact on protein function have been reported. No submitters have cited clinical-significance assessments for this variant to ClinVar. Based on the evidence outlined above, the variant was classified as uncertain significance.

NM_020928.2(ZSWIM6):c.389G>A (p.Gly130Asp)

Gene: ZSWIM6 (zinc finger SWIM-type containing 6; plus strand). Cytogenetic location: 5q12.1.
Variant type: single nucleotide variant.
Coding change: c.389G>A on transcript NM_020928.2 (MANE Select); coding-DNA position 389, G replaced by A.
Protein change: p.Gly130Asp; replaces glycine 130 with aspartic acid.
Molecular consequence: missense variant.
Genome position (GRCh38, 1-based): chr5:61,332,661, G>A. VCF-style: chr5-61332661-G-A. GRCh37 (hg19) VCF-style: chr5-60628488-G-A.
Other names: short protein forms G130D.
Identifiers: ClinVar variation 4687582 (VCV004687582.1).